The following is an entry in ClinVar:

ClinVar aggregate classification (germline): Uncertain significance (1 of 4 stars; one submission).

Conditions:
Dilated cardiomyopathy 1W (CMD1W). Identifiers: Orphanet 154, MedGen C1969639, MONDO:0012667, OMIM 611407.

Submission:

Labcorp Genetics (formerly Invitae), Labcorp
Classification: Uncertain significance for Dilated cardiomyopathy 1W. Last evaluated: 2021-03-23. Review status: criteria provided, single submitter. Criteria: Invitae Variant Classification Sherloc (09022015). Collection method: clinical testing. Allele origin: germline.
Comment: In summary, the available evidence is currently insufficient to determine the role of this variant in disease. Therefore, it has been classified as a Variant of Uncertain Significance. Algorithms developed to predict the effect of missense changes on protein structure and function are either unavailable or do not agree on the potential impact of this missense change (SIFT: "Not Available"; PolyPhen-2: "Probably Damaging"; Align-GVGD: "Not Available"). This variant has not been reported in the literature in individuals with VCL-related conditions. This variant is not present in population databases (ExAC no frequency). This sequence change replaces methionine with leucine at codon 587 of the VCL protein (p.Met587Leu). The methionine residue is highly conserved and there is a small physicochemical difference between methionine and leucine.

NM_014000.3(VCL):c.1759A>C (p.Met587Leu)

Gene: VCL (vinculin; plus strand). Cytogenetic location: 10q22.2.
Variant type: single nucleotide variant.
Coding change: c.1759A>C on transcript NM_014000.3 (MANE Select); coding-DNA position 1759, A replaced by C.
Protein change: p.Met587Leu; replaces methionine 587 with leucine.
Molecular consequence: missense variant.
Genome position (GRCh38, 1-based): chr10:74,097,219, A>C. VCF-style: chr10-74097219-A-C. GRCh37 (hg19) VCF-style: chr10-75856977-A-C.
Other names: c.1759A>C, p.Met587Leu (NM_003373.4); short protein forms M587L.
Identifiers: ClinVar variation 1380789 (VCV001380789.6), dbSNP rs1839982640, ClinGen allele CA377276455.